The following is an entry in ClinVar:

ClinVar aggregate classification (germline): Uncertain significance. Review status: criteria provided, multiple submitters, no conflicts (2 of 4 stars). 2 submissions from 2 submitters: Uncertain significance (2). Last evaluated 2025-10-22.

Conditions:
Inborn genetic diseases. Identifiers: MedGen C0950123, MeSH D030342.

Allele frequency attached by ClinVar (database versions not stated): gnomAD 0.00003; TOPMed 0.00004; ESP Exome Variant Server 0.00008; ExAC 0.00011; gnomAD exomes 0.00011.
gnomAD v4.1: 164 of 1,614,022 alleles (0.01%); highest among the groups gnomAD compares: Non-Finnish European, 0.014%; no homozygotes.

Submissions (2):

Ambry Genetics
Classification: Uncertain significance for Inborn genetic diseases. Last evaluated: 2025-10-22. Review status: criteria provided, single submitter. Criteria: Ambry Variant Classification Scheme 2023. Collection method: clinical testing. Allele origin: germline.

Labcorp Genetics (formerly Invitae), Labcorp
Classification: Uncertain significance. Last evaluated: 2022-08-22. Review status: criteria provided, single submitter. Criteria: Invitae Variant Classification Sherloc (09022015). Collection method: clinical testing. Allele origin: germline.
Comment: This sequence change replaces glycine, which is neutral and non-polar, with arginine, which is basic and polar, at codon 648 of the GGCX protein (p.Gly648Arg). This variant is present in population databases (rs375880850, gnomAD 0.01%). This variant has not been reported in the literature in individuals affected with GGCX-related conditions. Algorithms developed to predict the effect of missense changes on protein structure and function (SIFT, PolyPhen-2, Align-GVGD) all suggest that this variant is likely to be tolerated. In summary, the available evidence is currently insufficient to determine the role of this variant in disease. Therefore, it has been classified as a Variant of Uncertain Significance.

NM_000821.7(GGCX):c.1942G>C (p.Gly648Arg)

Gene: GGCX (gamma-glutamyl carboxylase; minus strand). Cytogenetic location: 2p11.2.
Variant type: single nucleotide variant.
Coding change: c.1942G>C on transcript NM_000821.7 (MANE Select); coding-DNA position 1942, G replaced by C.
Protein change: p.Gly648Arg; replaces glycine 648 with arginine.
Molecular consequence: missense variant.
Genome position (GRCh38, 1-based): chr2:85,550,697, C>G on the plus strand (G>C on the coding strand, the complement: GGCX is on the minus strand). VCF-style: chr2-85550697-C-G. GRCh37 (hg19) VCF-style: chr2-85777820-C-G.
Other names: c.1771G>C, p.Gly591Arg (NM_001142269.4); c.1942G>C (NM_000821.5); short protein forms G591R, G648R.
Identifiers: ClinVar variation 1926228 (VCV001926228.3), dbSNP rs375880850, ClinGen allele CA1741681.